The following is an entry in ClinVar:

NM_001318734.2(KLC2):c.1384_1405del (p.Gln462fs)

Gene: KLC2 (kinesin light chain 2; plus strand). Cytogenetic location: 11q13.2.
Variant type: Deletion.
Coding change: c.1384_1405del on transcript NM_001318734.2 (MANE Select); coding-DNA positions 1384 to 1405, 22 bases deleted (CAGGGCAAGCTGGAAGCCGCGC).
Protein change: p.Gln462fs; shifts the reading frame from glutamine 462.
Molecular consequence: frameshift variant.
Genome position (GRCh38, 1-based): chr11:66,265,704-66,265,725, CAGGGCAAGCTGGAAGCCGCGC deleted; deleting any 22 consecutive bases within chr11:66,265,700-66,265,725 gives the same sequence; the c. name uses the placement nearest the transcript's 3' end. VCF-style (leftmost placement, unchanged base first): chr11-66265699-GGCGCCAGGGCAAGCTGGAAGCC-G. GRCh37 (hg19) VCF-style: chr11-66033170-GGCGCCAGGGCAAGCTGGAAGCC-G.
Other names: c.1153_1174del, p.Gln385fs (NM_001134774.2); c.1384_1405del, p.Gln462fs (NM_001134775.2, NM_001134776.2, NM_022822.3); short protein forms Q462fs, Q385fs.
Identifiers: ClinVar variation 4720058 (VCV004720058.1).
Genomic context (GRCh38, chr11:66,265,699, plus strand): 5'-ACTGTCCCATCCACAGCCCCACAGTCAACACCACCCTGCGCAGCTTGGGGGCCCTATACC[GGCGCCAGGGCAAGCTGGAAGCC>G]GCGCACACACTAGAGGACTGTGCCAGCCGTAACCGCAAGCAGGTGGGGCTCCATGCAGGA-3'

ClinVar aggregate classification (germline): Uncertain significance (1 of 4 stars; one submission).

Submission:

Labcorp Genetics (formerly Invitae), Labcorp
Classification: Uncertain significance. Last evaluated: 2025-10-06. Review status: criteria provided, single submitter. Criteria: Invitae Variant Classification Sherloc (09022015). Collection method: clinical testing. Allele origin: germline.
Comment: This sequence change creates a premature translational stop signal (p.Gln462Thrfs*3) in the KLC2 gene. It is expected to result in an absent or disrupted protein product. However, the current clinical and genetic evidence is not sufficient to establish whether loss-of-function variants in KLC2 cause disease. This variant is present in population databases (no rsID available, gnomAD 0.003%). This variant has not been reported in the literature in individuals affected with KLC2-related conditions. In summary, the available evidence is currently insufficient to determine the role of this variant in disease. Therefore, it has been classified as a Variant of Uncertain Significance.